The following is an entry in ClinVar:

ClinVar aggregate classification (germline): Uncertain significance. Review status: criteria provided, multiple submitters, no conflicts (2 of 4 stars). 3 submissions from 3 submitters: Uncertain significance (3). Last evaluated 2022-03-15.

Conditions:
Cardiovascular phenotype. Identifiers: MedGen CN230736.
Hereditary cancer-predisposing syndrome. Also called: Neoplastic Syndromes, Hereditary; Tumor predisposition; Hereditary neoplastic syndrome; Hereditary Cancer Syndrome. Identifiers: Orphanet 140162, MedGen C0027672, MeSH D009386, MONDO:0015356.
Neurofibromatosis, type 1 (NF1). Also called: VON RECKLINGHAUSEN DISEASE; NEUROFIBROMATOSIS, TYPE I, SOMATIC; Peripheral type neurofibromatosis; Neurofibromatosis, type I. Identifiers: Orphanet 636, MedGen C0027831, MONDO:0018975, OMIM 162200. Disease mechanism: loss of function.

Allele frequency attached by ClinVar (database versions not stated): gnomAD 0.00001.
gnomAD v4.1: 1 of 1,606,910 alleles (0.000062%); highest among the groups gnomAD compares: Non-Finnish European, 0.000085%; no homozygotes.

Submissions (3):

Genome-Nilou Lab
Classification: Uncertain significance for Neurofibromatosis, type 1. Last evaluated: 2022-03-15. Review status: criteria provided, single submitter. Criteria: ACMG Guidelines, 2015. Collection method: clinical testing. Allele origin: germline. Affected: no.

Ambry Genetics
Classification: Uncertain significance for Cardiovascular phenotype; Hereditary cancer-predisposing syndrome. Last evaluated: 2018-08-31. Review status: criteria provided, single submitter. Criteria: Ambry Variant Classification Scheme 2023. Collection method: clinical testing. Allele origin: germline.
Comment: The p.N184H variant (also known as c.550A>C), located in coding exon 5 of the NF1 gene, results from an A to C substitution at nucleotide position 550. The asparagine at codon 184 is replaced by histidine, an amino acid with similar properties. This amino acid position is well conserved in available vertebrate species. In addition, the in silico prediction for this alteration is inconclusive. Since supporting evidence is limited at this time, the clinical significance of this alteration remains unclear.

Labcorp Genetics (formerly Invitae), Labcorp
Classification: Uncertain significance for Neurofibromatosis, type 1. Last evaluated: 2017-12-25. Review status: criteria provided, single submitter. Criteria: Invitae Variant Classification Sherloc (09022015). Collection method: clinical testing. Allele origin: germline.
Comment: This sequence change replaces asparagine with histidine at codon 184 of the NF1 protein (p.Asn184His). The asparagine residue is moderately conserved and there is a small physicochemical difference between asparagine and histidine. In summary, the available evidence is currently insufficient to determine the role of this variant in disease. Therefore, it has been classified as a Variant of Uncertain Significance. Algorithms developed to predict the effect of missense changes on protein structure and function (SIFT, PolyPhen-2, Align-GVGD) all suggest that this variant is likely to be tolerated, but these predictions have not been confirmed by published functional studies and their clinical significance is uncertain. This variant has not been reported in the literature in individuals with NF1-related disease. This variant is not present in population databases (ExAC no frequency).

NM_001042492.3(NF1):c.550A>C (p.Asn184His)

Gene: NF1 (neurofibromin 1; plus strand). Cytogenetic location: 17q11.2.
Variant type: single nucleotide variant.
Coding change: c.550A>C on transcript NM_001042492.3 (MANE Select); coding-DNA position 550, A replaced by C.
Protein change: p.Asn184His; replaces asparagine 184 with histidine.
Molecular consequence: missense variant.
Genome position (GRCh38, 1-based): chr17:31,169,961, A>C. VCF-style: chr17-31169961-A-C. GRCh37 (hg19) VCF-style: chr17-29496979-A-C.
Other names: c.550A>C, p.Asn184His (NM_000267.4, NM_001128147.3); short protein forms N184H.
Identifiers: ClinVar variation 527446 (VCV000527446.11), dbSNP rs1555607101, ClinGen allele CA398985235.
Genomic context (GRCh38, chr17:31,169,961, plus strand): 5'-TTAACTGTTTGTTCAGAAGACAATGTTGATGTTCATGATATAGAATTGTTACAGTATATC[A>C]ATGTGGATTGTGCAAAATTAAAACGACTCCTGAAGGGTAAGTTTAAATGTATAATATATC-3'
Protein context (NP_001035957.1, residues 174-194): VHDIELLQYI[Asn184His]VDCAKLKRLL